The following is an entry in ClinVar:

ClinVar aggregate classification (germline): Uncertain significance (1 of 4 stars; one submission).

Conditions:
Joubert syndrome. Also called: CEREBELLOPARENCHYMAL DISORDER IV; JOUBERT-BOLTSHAUSER SYNDROME; Familial aplasia of the vermis. Identifiers: Orphanet 475, MedGen C5979921, MONDO:0018772.
Nephronophthisis. Also called: Juvenile Nephronophthisis. Identifiers: Orphanet 655, MedGen C0687120, MONDO:0019005, HP:0000090.
Meckel-Gruber syndrome. Also called: DYSENCEPHALIA SPLANCHNOCYSTICA; GRUBER SYNDROME; Dysencephalia splachnocystica. Identifiers: Orphanet 564, MedGen C0265215, MONDO:0018921.

Submission:

Labcorp Genetics (formerly Invitae), Labcorp
Classification: Uncertain significance for Joubert syndrome; Meckel-Gruber syndrome; Nephronophthisis. Last evaluated: 2023-11-27. Review status: criteria provided, single submitter. Criteria: Invitae Variant Classification Sherloc (09022015). Collection method: clinical testing. Allele origin: germline.
Comment: This sequence change replaces glycine, which is neutral and non-polar, with cysteine, which is neutral and slightly polar, at codon 2198 of the CEP290 protein (p.Gly2198Cys). This variant is not present in population databases (gnomAD no frequency). This variant has not been reported in the literature in individuals affected with CEP290-related conditions. ClinVar contains an entry for this variant (Variation ID: 2107305). Advanced modeling of protein sequence and biophysical properties (such as structural, functional, and spatial information, amino acid conservation, physicochemical variation, residue mobility, and thermodynamic stability) performed at Invitae indicates that this missense variant is expected to disrupt CEP290 protein function with a positive predictive value of 80%. In summary, the available evidence is currently insufficient to determine the role of this variant in disease. Therefore, it has been classified as a Variant of Uncertain Significance.

NM_025114.4(CEP290):c.6592G>T (p.Gly2198Cys)

Gene: CEP290 (centrosomal protein 290; minus strand). Cytogenetic location: 12q21.32.
Variant type: single nucleotide variant.
Coding change: c.6592G>T on transcript NM_025114.4 (MANE Select); coding-DNA position 6592, G replaced by T.
Protein change: p.Gly2198Cys; replaces glycine 2198 with cysteine.
Molecular consequence: missense variant.
Genome position (GRCh38, 1-based): chr12:88,059,951, C>A on the plus strand (G>T on the coding strand, the complement: CEP290 is on the minus strand). VCF-style: chr12-88059951-C-A. GRCh37 (hg19) VCF-style: chr12-88453728-C-A.
Other names: short protein forms G2198C.
Identifiers: ClinVar variation 2107305 (VCV002107305.4), dbSNP rs1033637356, ClinGen allele CA241147671.